The following is an entry in ClinVar:

NM_020639.3(RIPK4):c.1612C>T (p.Arg538Trp)

Gene: RIPK4 (receptor interacting serine/threonine kinase 4; minus strand). Cytogenetic location: 21q22.3.
Variant type: single nucleotide variant.
Coding change: c.1612C>T on transcript NM_020639.3 (MANE Select); coding-DNA position 1612, C replaced by T.
Protein change: p.Arg538Trp; replaces arginine 538 with tryptophan.
Molecular consequence: missense variant.
Genome position (GRCh38, 1-based): chr21:41,741,581, G>A on the plus strand (C>T on the coding strand, the complement: RIPK4 is on the minus strand). VCF-style: chr21-41741581-G-A. GRCh37 (hg19) VCF-style: chr21-43161741-G-A.
Other names: short protein forms R538W.
Identifiers: ClinVar variation 2524946 (VCV002524946.4), dbSNP rs370433302, ClinGen allele CA10035260.
Genomic context (GRCh38, chr21:41,741,581, plus strand): 5'-GCAGCAGGATGCGCACGATATTCTCCTGCCCGTGCTGGCAGGCCACGTGCATGGGCGTCC[G>A]GCCCTCAAAGTCCACCTCGTTGACCGAGGCGTTCTTCTCCAACAGCAGCCGTGTGCTAGA-3'
Protein context (NP_065690.2, residues 528-548): ASVNEVDFEG[Arg538Trp]TPMHVACQHG

ClinVar aggregate classification (germline): Uncertain significance. Review status: criteria provided, multiple submitters, no conflicts (2 of 4 stars). 2 submissions from 2 submitters: Uncertain significance (2). Last evaluated 2025-08-01.

Conditions:
Inborn genetic diseases. Identifiers: MedGen C0950123, MeSH D030342.

Submissions (2):

Ambry Genetics
Classification: Uncertain significance for Inborn genetic diseases. Last evaluated: 2025-08-01. Review status: criteria provided, single submitter. Criteria: Ambry Variant Classification Scheme 2023. Collection method: clinical testing. Allele origin: germline.

GeneDx
Classification: Uncertain significance. Last evaluated: 2025-03-20. Review status: criteria provided, single submitter. Criteria: GeneDx Variant Classification Process June 2021. Collection method: clinical testing. Allele origin: germline. Affected: yes.
Comment: Not observed at significant frequency in large population cohorts (gnomAD); In silico analysis indicates that this missense variant does not alter protein structure/function; Has not been previously published as pathogenic or benign to our knowledge